The following is an entry in ClinVar:

ClinVar aggregate classification (germline): Uncertain significance (1 of 4 stars; one submission).

Allele frequency attached by ClinVar (database versions not stated): gnomAD 0.00001.

Submission:

GeneDx
Classification: Uncertain significance. Last evaluated: 2017-09-08. Review status: criteria provided, single submitter. Criteria: GeneDx Variant Classification (06012015). Collection method: clinical testing. Allele origin: germline. Affected: yes.
Comment: The K334E variant in the OCLN gene has not been reported previously as a pathogenic variant, nor as a benign variant, to our knowledge. The K334E variant is not observed in large population cohorts (Lek et al., 2016). The K334E variant is a non-conservative amino acid substitution, which occurs at a position that is conserved in mammals. In silico analysis is inconsistent in its predictions as to whether or not the variant is damaging to the protein structure/function. We interpret K334E as a variant of uncertain significance.

NM_001205254.2(OCLN):c.1000A>G (p.Lys334Glu)

Gene: OCLN (occludin; plus strand). Cytogenetic location: 5q13.2.
Variant type: single nucleotide variant.
Coding change: c.1000A>G on transcript NM_001205254.2 (MANE Select); coding-DNA position 1000, A replaced by G.
Protein change: p.Lys334Glu; replaces lysine 334 with glutamic acid.
Molecular consequence: missense variant.
Genome position (GRCh38, 1-based): chr5:69,534,802, A>G. VCF-style: chr5-69534802-A-G. GRCh37 (hg19) VCF-style: chr5-68830629-A-G.
Other names: c.247A>G, p.Lys83Glu (NM_001205255.2); c.838A>G, p.Lys280Glu (NM_001410743.1); c.1000A>G, p.Lys334Glu (NM_002538.4); short protein forms K334E, K83E, K280E.
Identifiers: ClinVar variation 451849 (VCV000451849.2), dbSNP rs1554055471, ClinGen allele CA360066817.
Genomic context (GRCh38, chr5:69,534,802, plus strand): 5'-GACTATGTGGAAAGAGTTGACAGTCCCATGGCATACTCTTCCAATGGCAAAGTGAATGAC[A>G]AGCGGTTTTATCCAGAGTCTTCCTATAAATCCACGCCGTAAGTAGCATCTCTCTTAGTTT-3'
Protein context (NP_001192183.1, residues 324-344): AYSSNGKVND[Lys334Glu]RFYPESSYKS